The following is an entry in ClinVar:

NM_000370.3(TTPA):c.375_412dup (p.Ile138delinsLysPheLeuGlnLeuMetThrTyrPheGluTer)

Gene: TTPA (alpha tocopherol transfer protein; minus strand). Cytogenetic location: 8q12.3.
Variant type: Duplication.
Coding change: c.375_412dup on transcript NM_000370.3 (MANE Select); coding-DNA positions 375 to 412, 38 bases duplicated.
Protein change: p.Ile138delinsLysPheLeuGlnLeuMetThrTyrPheGluTer.
Molecular consequence: nonsense.
Genome position (GRCh38, 1-based): chr8:63,066,044-63,066,081, 38 bases duplicated; duplicating any 38 consecutive bases within chr8:63,066,044-63,066,083 gives the same sequence; the c. name uses the placement nearest the transcript's 3' end. GRCh37 (hg19): chr8:63,978,605-63,978,642.
Identifiers: ClinVar variation 1074404 (VCV001074404.7), dbSNP rs2129746116, ClinGen allele CA2499219382.

ClinVar aggregate classification (germline): Pathogenic (1 of 4 stars; one submission).

Submission:

Labcorp Genetics (formerly Invitae), Labcorp
Classification: Pathogenic. Last evaluated: 2020-09-28. Review status: criteria provided, single submitter. Criteria: Invitae Variant Classification Sherloc (09022015). Collection method: clinical testing. Allele origin: germline.
Comment: This sequence change creates a premature translational stop signal (p.Ile138Lysfs*11) in the TTPA gene. It is expected to result in an absent or disrupted protein product. This variant is not present in population databases (ExAC no frequency). This variant has not been reported in the literature in individuals with TTPA-related conditions. Algorithms developed to predict the effect of sequence changes on RNA splicing suggest that this variant may create or strengthen a splice site, but this prediction has not been confirmed by published transcriptional studies. Loss-of-function variants in TTPA are known to be pathogenic (PMID: 9463307, 26068213). For these reasons, this variant has been classified as Pathogenic.

Literature cited by the submitters: PubMed 9463307; PubMed 26068213.